The following is an entry in ClinVar:

NM_000297.4(PKD2):c.1834G>A (p.Ala612Thr)

Gene: PKD2 (polycystin 2, transient receptor potential cation channel; plus strand). Cytogenetic location: 4q22.1.
Variant type: single nucleotide variant.
Coding change: c.1834G>A on transcript NM_000297.4 (MANE Select); coding-DNA position 1834, G replaced by A.
Protein change: p.Ala612Thr; replaces alanine 612 with threonine.
Molecular consequence: missense variant. On other transcripts: non-coding transcript variant (1).
Genome position (GRCh38, 1-based): chr4:88,056,203, G>A. VCF-style: chr4-88056203-G-A. GRCh37 (hg19) VCF-style: chr4-88977355-G-A.
Other names: short protein forms A612T.
Identifiers: ClinVar variation 3660642 (VCV003660642.2).
Genomic context (GRCh38, chr4:88,056,203, plus strand): 5'-CGATGTGCCAAAGACCTGTTTGGCTTTGCTATTATGTTCTTCATTATTTTCCTAGCGTAT[G>A]CTCAGTTGGCATACCTTGTCTTTGGCACTCAGGTCGATGACTTCAGTACTTTCCAAGAGT-3'
Protein context (NP_000288.1, residues 602-622): IMFFIIFLAY[Ala612Thr]QLAYLVFGTQ

ClinVar aggregate classification (germline): Uncertain significance (1 of 4 stars; one submission).

Conditions:
Autosomal dominant polycystic kidney disease. Identifiers: Orphanet 730, MedGen C0085413, MONDO:0004691.

Submission:

Labcorp Genetics (formerly Invitae), Labcorp
Classification: Uncertain significance for Autosomal dominant polycystic kidney disease. Last evaluated: 2024-07-25. Review status: criteria provided, single submitter. Criteria: Invitae Variant Classification Sherloc (09022015). Collection method: clinical testing. Allele origin: germline.
Comment: This sequence change replaces alanine, which is neutral and non-polar, with threonine, which is neutral and polar, at codon 612 of the PKD2 protein (p.Ala612Thr). This variant is not present in population databases (gnomAD no frequency). This variant has not been reported in the literature in individuals affected with PKD2-related conditions. Advanced modeling of protein sequence and biophysical properties (such as structural, functional, and spatial information, amino acid conservation, physicochemical variation, residue mobility, and thermodynamic stability) performed at Invitae indicates that this missense variant is not expected to disrupt PKD2 protein function with a negative predictive value of 80%. In summary, the available evidence is currently insufficient to determine the role of this variant in disease. Therefore, it has been classified as a Variant of Uncertain Significance.